The following is an entry in ClinVar:

ClinVar aggregate classification (germline): Conflicting classifications of pathogenicity. Review status: criteria provided, conflicting classifications (1 of 4 stars). 4 submissions from 4 submitters: Uncertain significance (1); Benign (3). Last evaluated 2026-04-01.

Conditions:
Deficiency of iodide peroxidase (TDH2A). Also called: HYPOTHYROIDISM, CONGENITAL, DUE TO DYSHORMONOGENESIS, 2A; IODIDE PEROXIDASE DEFICIENCY; THYROID HORMONOGENESIS, GENETIC DEFECT IN, 2A; THYROID PEROXIDASE DEFICIENCY; Thyroid dyshormonogenesis 2A. Identifiers: Orphanet 95716, MedGen C1291299, MONDO:0010133, OMIM 274500.

Allele frequency attached by ClinVar (database versions not stated): ESP Exome Variant Server 0.00015; gnomAD exomes 0.00110 and 0.00444; gnomAD 0.00197 and 0.00209; TOPMed 0.00318; ExAC 0.00343; 1000 Genomes Project 0.00519; 1000 Genomes Project 30x 0.00547.
gnomAD v4.1: 1,916 of 1,613,864 alleles (0.12%); highest among the groups gnomAD compares: Admixed American, 2.7%; 35 homozygotes.

Submissions (4):

CeGaT Center for Human Genetics Tuebingen
Classification: Benign. Last evaluated: 2026-04-01. Review status: criteria provided, single submitter. Criteria: CeGaT Center For Human Genetics Tuebingen Variant Classification Criteria Version 2. Collection method: clinical testing. Allele origin: germline. Affected: yes. Observed: 2 variant alleles.
Comment: TPO: BS1, BS2

Labcorp Genetics (formerly Invitae), Labcorp
Classification: Benign. Last evaluated: 2026-01-28. Review status: criteria provided, single submitter. Criteria: Invitae Variant Classification Sherloc (09022015). Collection method: clinical testing. Allele origin: germline.

Illumina Laboratory Services, Illumina
Classification: Uncertain significance for Deficiency of iodide peroxidase. Last evaluated: 2017-04-28. Review status: criteria provided, single submitter. Criteria: ICSL Variant Classification Criteria 13 December 2019. Collection method: clinical testing. Allele origin: germline.

PreventionGenetics, part of Exact Sciences
Classification: Benign. Review status: criteria provided, single submitter. Criteria: ACMG Guidelines, 2015. Collection method: clinical testing. Allele origin: germline.

NM_001206744.2(TPO):c.2242G>A (p.Val748Met)

Genes: LALTOP (lung cancer associated lncRNA targeting TOP2A; minus strand), TPO (thyroid peroxidase; plus strand). Cytogenetic location: 2p25.3.
Variant type: single nucleotide variant.
Coding change: c.2242G>A on transcript NM_001206744.2 (MANE Select); coding-DNA position 2242, G replaced by A.
Protein change: p.Val748Met; replaces valine 748 with methionine.
Molecular consequence: missense variant.
Genome position (GRCh38, 1-based): chr2:1,496,621, G>A. VCF-style: chr2-1496621-G-A. GRCh37 (hg19) VCF-style: chr2-1500393-G-A.
Other names: c.2242G>A, p.Val748Met (NM_000547.6, NM_175721.3); c.2071G>A, p.Val691Met (NM_001206745.2, NM_175719.4); c.1723G>A, p.Val575Met (NM_175722.3); short protein forms V748M, V691M, V575M.
Identifiers: ClinVar variation 256612 (VCV000256612.15), dbSNP rs28991292, ClinGen allele CA1512018.